The following is an entry in ClinVar:

ClinVar aggregate classification (germline): Pathogenic/Likely pathogenic. Review status: criteria provided, multiple submitters, no conflicts (2 of 4 stars). 12 submissions from 12 submitters: Pathogenic (10); Likely pathogenic (2). Last evaluated 2025-08-07.

Conditions:
EYS-related disorder. Also called: EYS-related condition.
Retinitis pigmentosa 25 (RP25). Identifiers: Orphanet 791, MedGen C1864446, MONDO:0011272, OMIM 602772.

Allele frequency attached by ClinVar (database versions not stated): gnomAD 0.00001; gnomAD exomes 0.00001; TOPMed 0.00001.
gnomAD v4.1: 14 of 1,542,970 alleles (0.00091%); highest among the groups gnomAD compares: Non-Finnish European, 0.0012%; no homozygotes.

Submissions (12):

Natera, Inc.
Classification: Pathogenic for Retinitis pigmentosa type 25. Last evaluated: 2025-08-07. Review status: criteria provided, single submitter. Criteria: Natera Variant Classification Schema (03/2026). Collection method: clinical testing. Allele origin: germline.
Comment: The c.6528C>A variant in EYS is a nonsense variant predicted to introduce a stop codon at amino acid 2176. This variant is expected to result in nonsense mediated decay, truncation, or a dysfunctional protein product. This variant is rare in the general population with a frequency below the threshold expected for the associated phenotype(s). This variant has been observed in one or more individuals affected with the associated recessive disease, as either homozygous or compound heterozygous with a second variant (PMID: 28704921, 33576794). Given the available evidence, this variant is classified as Pathogenic.

Myriad Genetics, Inc.
Classification: Pathogenic for Retinitis pigmentosa 25. Last evaluated: 2024-05-14. Review status: criteria provided, single submitter. Criteria: Myriad Autosomal Dominant, Autosomal Recessive and X-Linked Classification Criteria (2023). Collection method: clinical testing. Allele origin: unknown.
Comment: NM_001142800.1(EYS):c.6528C>A(Y2176*) is expected to be pathogenic in the context of retinitis pigmentosa, EYS-related. This variant is predicted to lead to an abnormal or absent protein product due to the creation of a premature termination codon in EYS, a gene where loss-of-function variants are known to be pathogenic. Please note: this variant was assessed in the context of healthy population screening.

Fulgent Genetics
Classification: Pathogenic for Retinitis pigmentosa 25. Last evaluated: 2024-03-07. Review status: criteria provided, single submitter. Criteria: ACMG Guidelines, 2015. Collection method: clinical testing. Allele origin: germline.

Baylor Genetics
Classification: Pathogenic for Retinitis pigmentosa 25. Last evaluated: 2024-01-25. Review status: criteria provided, single submitter. Criteria: ACMG Guidelines, 2015. Collection method: clinical testing. Allele origin: unknown.

Labcorp Genetics (formerly Invitae), Labcorp
Classification: Pathogenic. Last evaluated: 2024-01-17. Review status: criteria provided, single submitter. Criteria: Invitae Variant Classification Sherloc (09022015). Collection method: clinical testing. Allele origin: germline.
Comment: This sequence change creates a premature translational stop signal (p.Tyr2176*) in the EYS gene. It is expected to result in an absent or disrupted protein product. Loss-of-function variants in EYS are known to be pathogenic (PMID: 18836446, 20333770). This variant is present in population databases (rs797045089, gnomAD 0.003%). This premature translational stop signal has been observed in individual(s) with retinitis pigmentosa (PMID: 28704921). ClinVar contains an entry for this variant (Variation ID: 208578). For these reasons, this variant has been classified as Pathogenic.

Revvity Omics, Revvity
Classification: Pathogenic for Retinitis pigmentosa 25. Last evaluated: 2023-12-12. Review status: criteria provided, single submitter. Criteria: ACMG Guidelines, 2015. Collection method: clinical testing. Allele origin: germline.

GeneDx
Classification: Pathogenic. Last evaluated: 2023-03-24. Review status: criteria provided, single submitter. Criteria: GeneDx Variant Classification Process June 2021. Collection method: clinical testing. Allele origin: germline. Affected: yes.
Comment: Nonsense variant predicted to result in protein truncation or nonsense mediated decay in a gene for which loss of function is a known mechanism of disease; Not observed at significant frequency in large population cohorts (gnomAD); This variant is associated with the following publications: (PMID: 28704921, 32037395, 33576794)

Blueprint Genetics
Classification: Pathogenic for EYS-related disorders. Last evaluated: 2022-08-26. Review status: criteria provided, single submitter. Criteria: ACMG Guidelines, 2015. Collection method: clinical testing. Allele origin: germline. Affected: yes. Observed: 5 variant alleles.

Ocular Genomics Institute, Massachusetts Eye and Ear
Classification: Likely pathogenic for Retinitis pigmentosa 25. Last evaluated: 2021-04-08. Review status: criteria provided, single submitter. Criteria: ACMG Guidelines, 2015. Collection method: research. Allele origin: germline. Affected: yes.
Comment: Through a review of available evidence we were able to apply the following criteria: PVS1, PM2. Based on this evidence we have classified this variant as Likely Pathogenic.

Institute of Human Genetics, University of Leipzig Medical Center
Classification: Pathogenic for Retinitis pigmentosa 25. Last evaluated: 2019-01-01. Review status: criteria provided, single submitter. Criteria: ACMG Guidelines, 2015. Collection method: clinical testing. Allele origin: unknown. Affected: yes.

CeGaT Center for Human Genetics Tuebingen
Classification: Likely pathogenic. Last evaluated: 2016-09-01. Review status: criteria provided, single submitter. Criteria: CeGaT Center For Human Genetics Tuebingen Variant Classification Criteria Version 2. Collection method: clinical testing. Allele origin: germline. Affected: yes. Observed: 1 variant allele.

Laboratory for Molecular Medicine, Mass General Brigham Personalized Medicine
Classification: Pathogenic for Retinitis pigmentosa 25. Last evaluated: 2014-08-01. Review status: criteria provided, single submitter. Criteria: LMM Criteria. Collection method: clinical testing. Allele origin: germline. Inheritance: Autosomal recessive inheritance. Observed: 1 variant allele. Study: CSER-MedSeq.
Comment: The Tyr2176X variant in EYS has not been previously reported in individuals with retinitis pigmentosa or in large population studies. This nonsense variant leads to a premature termination codon at position 2176, which is predicted to lead to a truncated or absent protein. Complete loss of EYS function is an established disease mechanism in individuals with autosomal recessive retinitis pigmentosa. In summary, this variant meets our criteria to be classified as pathogenic.

Literature cited by the submitters: PubMed 28704921 (cited by 3 submitters); PubMed 33576794 (cited by Natera, Inc.); PubMed 18836446 (cited by Labcorp Genetics (formerly Invitae), Labcorp); PubMed 20333770 (cited by Labcorp Genetics (formerly Invitae), Labcorp).

NM_001142800.2(EYS):c.6528C>A (p.Tyr2176Ter)

Gene: EYS (EGF-like photoreceptor maintenance factor; minus strand). Cytogenetic location: 6q12.
Variant type: single nucleotide variant.
Coding change: c.6528C>A on transcript NM_001142800.2 (MANE Select); coding-DNA position 6528, C replaced by A.
Protein change: p.Tyr2176Ter; replaces tyrosine 2176 with a stop codon.
Molecular consequence: nonsense.
Genome position (GRCh38, 1-based): chr6:64,081,899, G>T on the plus strand (C>A on the coding strand, the complement: EYS is on the minus strand). VCF-style: chr6-64081899-G-T. GRCh37 (hg19) VCF-style: chr6-64791792-G-T.
Other names: c.6528C>A, p.Tyr2176Ter (NM_001292009.2); short protein forms Y2176*.
Identifiers: ClinVar variation 208578 (VCV000208578.63), dbSNP rs797045089, ClinGen allele CA275998.
Genomic context (GRCh38, chr6:64,081,899, plus strand): 5'-AAACATTTAATACTCACTGTAAAGAATAGTTCCATTTAAACTGTTTGTTTTTATAGTCAA[G>T]TAGATGGTAACAGTTCTGTTATGTTCCTTCTCCAGGACAAACTTCAAAAAGGGCAGTTCT-3'